The following is an entry in ClinVar:

NM_000027.4(AGA):c.874del (p.Arg292fs)

Gene: AGA (aspartylglucosaminidase; minus strand). Cytogenetic location: 4q34.3.
Variant type: Deletion.
Coding change: c.874del on transcript NM_000027.4 (MANE Select); coding-DNA position 874, one base deleted (A; older notation c.874delA).
Protein change: p.Arg292fs; shifts the reading frame from arginine 292.
Molecular consequence: frameshift variant. On other transcripts: non-coding transcript variant (1).
Genome position (GRCh38, 1-based): chr4:177,433,280, T deleted on the plus strand (A on the coding strand, the reverse complement: AGA is on the minus strand); the first of 2 consecutive T bases (chr4:177,433,280-177,433,281); deleting either gives the same sequence. VCF-style (leftmost placement, unchanged base first): chr4-177433279-CT-C. GRCh37 (hg19) VCF-style: chr4-178354433-CT-C.
Other names: c.844del, p.Arg282fs (NM_001171988.2); short protein forms R282fs, R292fs.
Identifiers: ClinVar variation 5004388 (VCV005004388.1).

ClinVar aggregate classification (germline): Pathogenic (1 of 4 stars; one submission).

Conditions:
Aspartylglucosaminuria (AGU). Also called: AGA DEFICIENCY; GLYCOASPARAGINASE; GLYCOSYLASPARAGINASE DEFICIENCY; Aspartylglucos-aminuria; Aspartylglucos-amidase (AGA) deficiency. Identifiers: Orphanet 93, MedGen C0268225, MONDO:0008830, OMIM 208400, HP:0012068.

Submission:

Myriad Genetics, Inc.
Classification: Pathogenic for Aspartylglucosaminuria. Last evaluated: 2026-01-13. Review status: criteria provided, single submitter. Criteria: Myriad Autosomal Dominant, Autosomal Recessive and X-Linked Classification Criteria (2023). Collection method: clinical testing. Allele origin: unknown.
Comment: NM_000027.3(AGA):c.874delA(R292Efs*18) is a frameshift variant classified as pathogenic in the context of aspartylglucosaminuria. R292Efs*18 has not been observed in cases with relevant disease. Relevant functional assessments of this variant are not available in the literature. R292Efs*18 has not been observed in referenced population frequency databases. In summary, NM_000027.3(AGA):c.874delA(R292Efs*18) is a frameshift variant in a gene where loss of function is a known mechanism of disease and is predicted to disrupt protein function. Please note: this variant was assessed in the context of healthy population screening.